The following is an entry in ClinVar:

ClinVar aggregate classification (germline): Pathogenic (1 of 4 stars; one submission).

Conditions:
Autosomal recessive nonsyndromic hearing loss 12. Also called: DEAFNESS, AUTOSOMAL RECESSIVE 12. Identifiers: Orphanet 90636, MedGen C1832394, MONDO:0011067, OMIM 601386.

Submission:

Institute of Rare Diseases, West China Hospital, Sichuan University
Classification: Pathogenic for Autosomal recessive nonsyndromic hearing loss 12. Last evaluated: 2025-01-09. Review status: criteria provided, single submitter. Criteria: ClinGen HL ACMG Specifications v1. Collection method: research. Allele origin: germline. Affected: yes.
Comment: PVS1;PM3_Supporting;PM2_Supporting

NM_022124.6(CDH23):c.8949dup (p.Gly2984fs)

Gene: CDH23 (cadherin related 23; plus strand). Cytogenetic location: 10q22.1.
Variant type: Duplication.
Coding change: c.8949dup on transcript NM_022124.6 (MANE Select); coding-DNA position 8949, one base duplicated (T; older notation c.8949dupT).
Protein change: p.Gly2984fs; shifts the reading frame from glycine 2984.
Molecular consequence: frameshift variant.
Genome position (GRCh38, 1-based): chr10:71,810,046, T duplicated. VCF-style (leftmost placement, unchanged base first): chr10-71810045-C-CT. GRCh37 (hg19) VCF-style: chr10-73569802-C-CT.
Other names: c.2229dup, p.Gly744fs (NM_001171933.1, NM_001171934.1); short protein forms G2984fs, G744fs.
Identifiers: ClinVar variation 3601722 (VCV003601722.1).